The following is an entry in ClinVar:

ClinVar aggregate classification (germline): Uncertain significance (1 of 4 stars; one submission).

Submission:

Labcorp Genetics (formerly Invitae), Labcorp
Classification: Uncertain significance. Last evaluated: 2024-01-30. Review status: criteria provided, single submitter. Criteria: Invitae Variant Classification Sherloc (09022015). Collection method: clinical testing. Allele origin: germline.
Comment: This sequence change replaces glutamine, which is neutral and polar, with proline, which is neutral and non-polar, at codon 977 of the DISP1 protein (p.Gln977Pro). This variant is not present in population databases (gnomAD no frequency). This variant has not been reported in the literature in individuals affected with DISP1-related conditions. An algorithm developed to predict the effect of missense changes on protein structure and function (PolyPhen-2) suggests that this variant is likely to be disruptive. In summary, the available evidence is currently insufficient to determine the role of this variant in disease. Therefore, it has been classified as a Variant of Uncertain Significance.

NM_001377229.1(DISP1):c.2930A>C (p.Gln977Pro)

Gene: DISP1 (dispatched RND transporter family member 1; plus strand). Cytogenetic location: 1q41.
Variant type: single nucleotide variant.
Coding change: c.2930A>C on transcript NM_001377229.1 (MANE Select); coding-DNA position 2930, A replaced by C.
Protein change: p.Gln977Pro; replaces glutamine 977 with proline.
Molecular consequence: missense variant.
Genome position (GRCh38, 1-based): chr1:223,004,327, A>C. VCF-style: chr1-223004327-A-C. GRCh37 (hg19) VCF-style: chr1-223177669-A-C.
Other names: c.2201A>C, p.Gln734Pro (NM_001350630.2); c.2930A>C, p.Gln977Pro (NM_001369594.1, NM_001377228.1, NM_032890.5); short protein forms Q734P, Q977P.
Identifiers: ClinVar variation 2714223 (VCV002714223.3), dbSNP rs2528312953, ClinGen allele CA344684086.